The following is an entry in ClinVar:

NM_001377295.2(GNAT2):c.797T>C (p.Leu266Pro)

Gene: GNAT2 (G protein subunit alpha transducin 2; minus strand). Cytogenetic location: 1p13.3.
Variant type: single nucleotide variant.
Coding change: c.797T>C on transcript NM_001377295.2 (MANE Select); coding-DNA position 797, T replaced by C.
Protein change: p.Leu266Pro; replaces leucine 266 with proline.
Molecular consequence: missense variant.
Genome position (GRCh38, 1-based): chr1:109,604,028, A>G on the plus strand (T>C on the coding strand, the complement: GNAT2 is on the minus strand). VCF-style: chr1-109604028-A-G. GRCh37 (hg19) VCF-style: chr1-110146650-A-G.
Other names: c.797T>C, p.Leu266Pro (NM_001379232.1, NM_005272.5); short protein forms L266P.
Identifiers: ClinVar variation 1041923 (VCV001041923.6), dbSNP rs1452869796, ClinGen allele CA341534060.
Genomic context (GRCh38, chr1:109,604,028, plus strand): 5'-CAAATGCTGAGATGGACTTTCTTGATTTTTTCCTCAAAGAGGTCCTTCTTGTTGAGAAAG[A>G]GGACAATGGAAGTAGCCGCAAAGAATTTGTGGTTACATATGCTGTTGAACAGATGCAAAG-3'
Protein context (NP_001364224.1, residues 256-276): HKFFAATSIV[Leu266Pro]FLNKKDLFEE

ClinVar aggregate classification (germline): Uncertain significance. Review status: criteria provided, multiple submitters, no conflicts (2 of 4 stars). 2 submissions from 2 submitters: Uncertain significance (2). Last evaluated 2025-04-13.

Allele frequency attached by ClinVar (database versions not stated): gnomAD 0.00001; gnomAD exomes 0.00001; TOPMed 0.00001.
gnomAD v4.1: 14 of 1,608,932 alleles (0.00087%); highest among the groups gnomAD compares: African/African-American, 0.0013%; no homozygotes.

Submissions (2):

Labcorp Genetics (formerly Invitae), Labcorp
Classification: Uncertain significance. Last evaluated: 2025-04-13. Review status: criteria provided, single submitter. Criteria: Invitae Variant Classification Sherloc (09022015). Collection method: clinical testing. Allele origin: germline.
Comment: This sequence change replaces leucine, which is neutral and non-polar, with proline, which is neutral and non-polar, at codon 266 of the GNAT2 protein (p.Leu266Pro). This variant is not present in population databases (gnomAD no frequency). This variant has not been reported in the literature in individuals affected with GNAT2-related conditions. ClinVar contains an entry for this variant (Variation ID: 1041923). Invitae Evidence Modeling of protein sequence and biophysical properties (such as structural, functional, and spatial information, amino acid conservation, physicochemical variation, residue mobility, and thermodynamic stability) indicates that this missense variant is expected to disrupt GNAT2 protein function with a positive predictive value of 80%. In summary, the available evidence is currently insufficient to determine the role of this variant in disease. Therefore, it has been classified as a Variant of Uncertain Significance.

Blueprint Genetics
Classification: Uncertain significance. Last evaluated: 2024-06-13. Review status: criteria provided, single submitter. Criteria: ACMG Guidelines, 2015. Collection method: clinical testing. Allele origin: germline.